The following is an entry in ClinVar:

NM_033118.4(MYLK2):c.322_350dup (p.Gly119fs)

Gene: MYLK2 (myosin light chain kinase 2; plus strand). Cytogenetic location: 20q11.21.
Variant type: Duplication.
Coding change: c.322_350dup on transcript NM_033118.4 (MANE Select); coding-DNA positions 322 to 350, 29 bases duplicated (GTCAAGAAGCCCAAGGCTGAGCAGGGAGC).
Protein change: p.Gly119fs; shifts the reading frame from glycine 119.
Molecular consequence: frameshift variant.
Genome position (GRCh38, 1-based): chr20:31,820,395-31,820,423, GTCAAGAAGCCCAAGGCTGAGCAGGGAGC duplicated; duplicating any 29 consecutive bases within chr20:31,820,392-31,820,423 gives the same sequence; the c. name uses the placement nearest the transcript's 3' end. VCF-style (leftmost placement, unchanged base first): chr20-31820391-C-CAGCGTCAAGAAGCCCAAGGCTGAGCAGGG. GRCh37 (hg19) VCF-style: chr20-30408194-C-CAGCGTCAAGAAGCCCAAGGCTGAGCAGGG.
Other names: short protein forms G119fs.
Identifiers: ClinVar variation 1200438 (VCV001200438.3), dbSNP rs1409844189, ClinGen allele CA635267872.

ClinVar aggregate classification (germline): Uncertain significance (1 of 4 stars; one submission).

Submission:

GeneDx
Classification: Uncertain significance. Last evaluated: 2020-10-13. Review status: criteria provided, single submitter. Criteria: GeneDx Variant Classification Process June 2021. Collection method: clinical testing. Allele origin: germline. Affected: yes.
Comment: Has not been previously published as pathogenic or benign to our knowledge; Not observed at a significant frequency in large population cohorts (Lek et al., 2016); Frameshift variant predicted to result in protein truncation or nonsense mediated decay in a gene for which loss-of-function is not a known mechanism of disease